The following is an entry in ClinVar:

NM_000127.3(EXT1):c.563G>A (p.Arg188Lys)

Gene: EXT1 (exostosin glycosyltransferase 1; minus strand). Cytogenetic location: 8q24.11.
Variant type: single nucleotide variant.
Coding change: c.563G>A on transcript NM_000127.3 (MANE Select); coding-DNA position 563, G replaced by A.
Protein change: p.Arg188Lys; replaces arginine 188 with lysine.
Molecular consequence: missense variant.
Genome position (GRCh38, 1-based): chr8:118,110,484, C>T on the plus strand (G>A on the coding strand, the complement: EXT1 is on the minus strand). VCF-style: chr8-118110484-C-T. GRCh37 (hg19) VCF-style: chr8-119122723-C-T.
Other names: short protein forms R188K.
Identifiers: ClinVar variation 1042732 (VCV001042732.8), dbSNP rs775696069, ClinGen allele CA371915566.

ClinVar aggregate classification (germline): Uncertain significance (1 of 4 stars; one submission).

Conditions:
Multiple congenital exostosis (EXT). Also called: Hereditary multiple osteochondromas; Multiple exostoses; Multiple osteochondromas; MULTIPLE CARTILAGINOUS EXOSTOSES; Hereditary multiple exostoses; Hereditary multiple exostosis. Identifiers: Orphanet 321, MedGen C0015306, MONDO:0005508, HP:0002762.

Allele frequency attached by ClinVar (database versions not stated): TOPMed below 0.00001.

Submission:

Labcorp Genetics (formerly Invitae), Labcorp
Classification: Uncertain significance for Multiple congenital exostosis. Last evaluated: 2020-02-11. Review status: criteria provided, single submitter. Criteria: Invitae Variant Classification Sherloc (09022015). Collection method: clinical testing. Allele origin: germline.
Comment: In summary, the available evidence is currently insufficient to determine the role of this variant in disease. Therefore, it has been classified as a Variant of Uncertain Significance. Algorithms developed to predict the effect of missense changes on protein structure and function (SIFT, PolyPhen-2, Align-GVGD) all suggest that this variant is likely to be tolerated, but these predictions have not been confirmed by published functional studies and their clinical significance is uncertain. This variant has not been reported in the literature in individuals with EXT1-related conditions. This variant is not present in population databases (ExAC no frequency). This sequence change replaces arginine with lysine at codon 188 of the EXT1 protein (p.Arg188Lys). The arginine residue is moderately conserved and there is a small physicochemical difference between arginine and lysine.